The following is an entry in ClinVar:

NM_000399.5(EGR2):c.1057C>A (p.Arg353Ser)

Gene: EGR2 (early growth response 2; minus strand). Cytogenetic location: 10q21.3.
Variant type: single nucleotide variant.
Coding change: c.1057C>A on transcript NM_000399.5 (MANE Select); coding-DNA position 1057, C replaced by A.
Protein change: p.Arg353Ser; replaces arginine 353 with serine.
Molecular consequence: missense variant.
Genome position (GRCh38, 1-based): chr10:62,813,581, G>T on the plus strand (C>A on the coding strand, the complement: EGR2 is on the minus strand). VCF-style: chr10-62813581-G-T. GRCh37 (hg19) VCF-style: chr10-64573341-G-T.
Other names: c.1057C>A, p.Arg353Ser (NM_001136177.3, NM_001136178.2); c.907C>A, p.Arg303Ser (NM_001136179.3, NM_001321037.2); c.1096C>A, p.Arg366Ser (NM_001410931.1); short protein forms R303S, R353S, R366S.
Identifiers: ClinVar variation 3647375 (VCV003647375.2).

ClinVar aggregate classification (germline): Uncertain significance (1 of 4 stars; one submission).

Conditions:
Charcot-Marie-Tooth disease, type I (CMT1). Also called: Charcot-Marie-Tooth, Type 1; Charcot-Marie-Tooth disease type 1. Identifiers: Orphanet 65753, MedGen C0751036, MONDO:0019011.

Submission:

Labcorp Genetics (formerly Invitae), Labcorp
Classification: Uncertain significance for Charcot-Marie-Tooth disease, type I. Last evaluated: 2024-03-23. Review status: criteria provided, single submitter. Criteria: Invitae Variant Classification Sherloc (09022015). Collection method: clinical testing. Allele origin: germline.
Comment: This sequence change replaces arginine, which is basic and polar, with serine, which is neutral and polar, at codon 353 of the EGR2 protein (p.Arg353Ser). This variant is not present in population databases (gnomAD no frequency). This variant has not been reported in the literature in individuals affected with EGR2-related conditions. Advanced modeling of protein sequence and biophysical properties (such as structural, functional, and spatial information, amino acid conservation, physicochemical variation, residue mobility, and thermodynamic stability) performed at Invitae indicates that this missense variant is expected to disrupt EGR2 protein function with a positive predictive value of 80%. In summary, the available evidence is currently insufficient to determine the role of this variant in disease. Therefore, it has been classified as a Variant of Uncertain Significance.